The following is an entry in ClinVar:

NM_152564.5(VPS13B):c.1844-2A>G

Gene: VPS13B (vacuolar protein sorting 13 homolog B; plus strand). Cytogenetic location: 8q22.2.
Variant type: single nucleotide variant.
Coding change: c.1844-2A>G on transcript NM_152564.5 (MANE Select); the canonical splice acceptor site of the intron before coding-DNA position 1844, A replaced by G.
Molecular consequence: splice acceptor variant.
Genome position (GRCh38, 1-based): chr8:99,147,839, A>G. VCF-style: chr8-99147839-A-G. GRCh37 (hg19) VCF-style: chr8-100160067-A-G.
Other names: c.1844-2A>G (NM_017890.5, NM_015243.3).
Identifiers: ClinVar variation 56648 (VCV000056648.2), dbSNP rs386834073, ClinGen allele CA264040.

ClinVar aggregate classification (germline): Likely pathogenic (0 of 4 stars; one submission).

Conditions:
Cohen syndrome (COH1). Also called: PEPPER SYNDROME; Cutis verticis gyrata, retinitis pigmentosa, and sensorineural deafness. Identifiers: Orphanet 193, MedGen C0265223, MONDO:0008999, OMIM 216550.

Submission:

Juha Muilu Group; Institute for Molecular Medicine Finland (FIMM)
Classification: Likely pathogenic for Cohen syndrome. Review status: no assertion criteria provided. Collection method: not provided. Allele origin: unknown.
Comment: FinDis database variant: This variant was not found or characterized by our laboratory, data were collected from public sources: see reference
ClinVar note: Converted during submission from probable-pathogenic to Likely pathogenic.